The following is an entry in ClinVar:

ClinVar aggregate classification (germline): Uncertain significance. Review status: criteria provided, multiple submitters, no conflicts (2 of 4 stars). 2 submissions from 2 submitters: Uncertain significance (2). Last evaluated 2025-05-03.

Conditions:
Inborn genetic diseases. Identifiers: MedGen C0950123, MeSH D030342.
Congenital myotonia, autosomal recessive form. Also called: BECKER DISEASE; Becker Generalized Myotonia; myotonia congenita, autosomal recessive. Identifiers: Orphanet 614, MedGen C0751360, MONDO:0009715, OMIM 255700.
Congenital myotonia, autosomal dominant form (THD). Also called: THOMSEN DISEASE; Myotonia congenita autosomal dominant. Identifiers: Orphanet 614, MedGen C2936781, MONDO:0008055, OMIM 160800.

Allele frequency attached by ClinVar (database versions not stated): gnomAD exomes below 0.00001; gnomAD 0.00003 and 0.00004; TOPMed 0.00005.
gnomAD v4.1: 7 of 1,614,078 alleles (0.00043%); highest among the groups gnomAD compares: African/African-American, 0.0093%; no homozygotes.

Submissions (2):

Ambry Genetics
Classification: Uncertain significance for Inborn genetic diseases. Last evaluated: 2025-05-03. Review status: criteria provided, single submitter. Criteria: Ambry Variant Classification Scheme 2023. Collection method: clinical testing. Allele origin: germline.

Labcorp Genetics (formerly Invitae), Labcorp
Classification: Uncertain significance for Congenital myotonia, autosomal recessive form; Congenital myotonia, autosomal dominant form. Last evaluated: 2022-07-05. Review status: criteria provided, single submitter. Criteria: Invitae Variant Classification Sherloc (09022015). Collection method: clinical testing. Allele origin: germline.
Comment: This sequence change replaces tyrosine, which is neutral and polar, with histidine, which is basic and polar, at codon 206 of the CLCN1 protein (p.Tyr206His). This variant is present in population databases (no rsID available, gnomAD 0.02%). This variant has not been reported in the literature in individuals affected with CLCN1-related conditions. ClinVar contains an entry for this variant (Variation ID: 1360824). Advanced modeling of protein sequence and biophysical properties (such as structural, functional, and spatial information, amino acid conservation, physicochemical variation, residue mobility, and thermodynamic stability) performed at Invitae indicates that this missense variant is expected to disrupt CLCN1 protein function. In summary, the available evidence is currently insufficient to determine the role of this variant in disease. Therefore, it has been classified as a Variant of Uncertain Significance.

NM_000083.3(CLCN1):c.616T>C (p.Tyr206His)

Gene: CLCN1 (chloride voltage-gated channel 1; plus strand). Cytogenetic location: 7q34.
Variant type: single nucleotide variant.
Coding change: c.616T>C on transcript NM_000083.3 (MANE Select); coding-DNA position 616, T replaced by C.
Protein change: p.Tyr206His; replaces tyrosine 206 with histidine.
Molecular consequence: missense variant. On other transcripts: non-coding transcript variant (1).
Genome position (GRCh38, 1-based): chr7:143,321,768, T>C. VCF-style: chr7-143321768-T-C. GRCh37 (hg19) VCF-style: chr7-143018861-T-C.
Other names: c.616T>C (NM_000083.2); short protein forms Y206H.
Identifiers: ClinVar variation 1360824 (VCV001360824.6), dbSNP rs963470037, ClinGen allele CA168256303.